The following is an entry in ClinVar:

NM_001278512.2(AP3B2):c.2603C>T (p.Ser868Leu)

Genes: CPEB1-AS1 (CPEB1 antisense RNA 1; plus strand), AP3B2 (adaptor related protein complex 3 subunit beta 2; minus strand). Cytogenetic location: 15q25.2.
Variant type: single nucleotide variant.
Coding change: c.2603C>T on transcript NM_001278512.2 (MANE Select); coding-DNA position 2603, C replaced by T.
Protein change: p.Ser868Leu; replaces serine 868 with leucine.
Molecular consequence: missense variant.
Genome position (GRCh38, 1-based): chr15:82,663,128, G>A on the plus strand (C>T on the coding strand, the complement: AP3B2 is on the minus strand). VCF-style: chr15-82663128-G-A. GRCh37 (hg19) VCF-style: chr15-83331880-G-A.
Other names: c.2450C>T, p.Ser817Leu (NM_001278511.2); c.2546C>T, p.Ser849Leu (NM_004644.5); c.2546C>T (NM_004644.3); short protein forms S868L, S817L, S849L.
Identifiers: ClinVar variation 1363792 (VCV001363792.6), dbSNP rs768482027, ClinGen allele CA7699850.
Genomic context (GRCh38, chr15:82,663,128, plus strand): 5'-GGATGCAGCACAGGGATGTGTCCCTGCCCCAGCCCGGTCCCCTCCTCCATCCCACTCACC[G>A]ACGGTACCAGGGTGGAGTCTGTGAGTGTCAGGCCCTCCAGGTCAGCAGCCAGACTGGTAG-3'
Protein context (NP_001265441.1, residues 858-878): LTLTDSTLVP[Ser868Leu]LLSPVSGVGR

ClinVar aggregate classification (germline): Uncertain significance. Review status: criteria provided, multiple submitters, no conflicts (2 of 4 stars). 2 submissions from 2 submitters: Uncertain significance (2). Last evaluated 2025-05-12.

Conditions:
Inborn genetic diseases. Identifiers: MedGen C0950123, MeSH D030342.

Allele frequency attached by ClinVar (database versions not stated): gnomAD exomes 0.00003; gnomAD 0.00004; ExAC 0.00005; TOPMed 0.00006.

Submissions (2):

Ambry Genetics
Classification: Uncertain significance for Inborn genetic diseases. Last evaluated: 2025-05-12. Review status: criteria provided, single submitter. Criteria: Ambry Variant Classification Scheme 2023. Collection method: clinical testing. Allele origin: germline.

Labcorp Genetics (formerly Invitae), Labcorp
Classification: Uncertain significance. Last evaluated: 2023-12-31. Review status: criteria provided, single submitter. Criteria: Invitae Variant Classification Sherloc (09022015). Collection method: clinical testing. Allele origin: germline.
Comment: This sequence change replaces serine, which is neutral and polar, with leucine, which is neutral and non-polar, at codon 849 of the AP3B2 protein (p.Ser849Leu). This variant is present in population databases (rs768482027, gnomAD 0.01%). This variant has not been reported in the literature in individuals affected with AP3B2-related conditions. ClinVar contains an entry for this variant (Variation ID: 1363792). An algorithm developed to predict the effect of missense changes on protein structure and function (PolyPhen-2) suggests that this variant¬†is likely to be tolerated. In summary, the available evidence is currently insufficient to determine the role of this variant in disease. Therefore, it has been classified as a Variant of Uncertain Significance.